The following is an entry in ClinVar:

ClinVar aggregate classification (germline): Uncertain significance. Review status: criteria provided, multiple submitters, no conflicts (2 of 4 stars). 2 submissions from 2 submitters: Uncertain significance (2). Last evaluated 2022-08-29.

Allele frequency attached by ClinVar (database versions not stated): TOPMed 0.00003; gnomAD 0.00004; ExAC 0.00007; gnomAD exomes 0.00008; 1000 Genomes Project 30x 0.00016; 1000 Genomes Project 0.00020.

Submissions (2):

Blueprint Genetics
Classification: Uncertain significance. Last evaluated: 2022-08-29. Review status: criteria provided, single submitter. Criteria: ACMG Guidelines, 2015. Collection method: clinical testing. Allele origin: germline.

Labcorp Genetics (formerly Invitae), Labcorp
Classification: Uncertain significance. Last evaluated: 2021-09-10. Review status: criteria provided, single submitter. Criteria: Invitae Variant Classification Sherloc (09022015). Collection method: clinical testing. Allele origin: germline.
Comment: This sequence change replaces arginine with tryptophan at codon 437 of the RGS9 protein (p.Arg437Trp). The arginine residue is highly conserved and there is a moderate physicochemical difference between arginine and tryptophan. This variant is present in population databases (rs572338388, ExAC 0.01%). In summary, the available evidence is currently insufficient to determine the role of this variant in disease. Therefore, it has been classified as a Variant of Uncertain Significance. Algorithms developed to predict the effect of missense changes on protein structure and function are either unavailable or do not agree on the potential impact of this missense change (SIFT: "Deleterious"; PolyPhen-2: "Benign"; Align-GVGD: "Class C15"). ClinVar contains an entry for this variant (Variation ID: 834263). This variant has not been reported in the literature in individuals affected with RGS9-related conditions.

NM_003835.4(RGS9):c.1309C>T (p.Arg437Trp)

Gene: RGS9 (regulator of G protein signaling 9; plus strand). Cytogenetic location: 17q24.1.
Variant type: single nucleotide variant.
Coding change: c.1309C>T on transcript NM_003835.4 (MANE Select); coding-DNA position 1309, C replaced by T.
Protein change: p.Arg437Trp; replaces arginine 437 with tryptophan.
Molecular consequence: missense variant.
Genome position (GRCh38, 1-based): chr17:65,210,507, C>T. VCF-style: chr17-65210507-C-T. GRCh37 (hg19) VCF-style: chr17-63206625-C-T.
Other names: c.1300C>T, p.Arg434Trp (NM_001081955.3, NM_001165933.2); short protein forms R434W, R437W.
Identifiers: ClinVar variation 834263 (VCV000834263.7), dbSNP rs572338388, ClinGen allele CA8718003.